The following is an entry in ClinVar:

ClinVar aggregate classification (germline): Uncertain significance (1 of 4 stars; one submission).

Conditions:
Pyruvate dehydrogenase E3 deficiency (DLDD). Also called: Dihydrolipoamide Dehydrogenase E3 Deficiency; Dihydrolipoamide Dehydrogenase (E3) Deficiency; Lipoamide dehydrogenase deficiency, lactic acidosis due to; Lipoamide dehydrogenase deficiency; Dihydrolipoamide Dehydrogenase Deficiency; MAPLE SYRUP URINE DISEASE, TYPE III. Identifiers: Orphanet 2394, Orphanet 765, MedGen C5574660, MONDO:0009529, OMIM 246900.

Allele frequency attached by ClinVar (database versions not stated): gnomAD exomes below 0.00001.
gnomAD v4.1: 1 of 1,613,818 alleles (0.000062%); highest among the groups gnomAD compares: Non-Finnish European, 0.000085%; no homozygotes.

Submission:

Labcorp Genetics (formerly Invitae), Labcorp
Classification: Uncertain significance for Pyruvate dehydrogenase E3 deficiency. Last evaluated: 2022-07-19. Review status: criteria provided, single submitter. Criteria: Invitae Variant Classification Sherloc (09022015). Collection method: clinical testing. Allele origin: germline.
Comment: This sequence change replaces alanine, which is neutral and non-polar, with threonine, which is neutral and polar, at codon 167 of the DLD protein (p.Ala167Thr). In summary, the available evidence is currently insufficient to determine the role of this variant in disease. Therefore, it has been classified as a Variant of Uncertain Significance. Algorithms developed to predict the effect of missense changes on protein structure and function (SIFT, PolyPhen-2, Align-GVGD) all suggest that this variant is likely to be tolerated. ClinVar contains an entry for this variant (Variation ID: 1381790). This variant has not been reported in the literature in individuals affected with DLD-related conditions. This variant is not present in population databases (gnomAD no frequency).

NM_000108.5(DLD):c.499G>A (p.Ala167Thr)

Gene: DLD (dihydrolipoamide dehydrogenase; plus strand). Cytogenetic location: 7q31.1.
Variant type: single nucleotide variant.
Coding change: c.499G>A on transcript NM_000108.5 (MANE Select); coding-DNA position 499, G replaced by A.
Protein change: p.Ala167Thr; replaces alanine 167 with threonine.
Molecular consequence: missense variant. On other transcripts: intron variant (1).
Genome position (GRCh38, 1-based): chr7:107,905,421, G>A. VCF-style: chr7-107905421-G-A. GRCh37 (hg19) VCF-style: chr7-107545866-G-A.
Other names: c.202G>A, p.Ala68Thr (NM_001289750.1); c.430G>A, p.Ala144Thr (NM_001289751.1); c.438+363G>A (NM_001289752.1); short protein forms A167T, A68T, A144T.
Identifiers: ClinVar variation 1381790 (VCV001381790.6), dbSNP rs2116221690, ClinGen allele CA368855542.